The following is an entry in ClinVar:

NM_003848.4(SUCLG2):c.413A>G (p.Asn138Ser)

Gene: SUCLG2 (succinate-CoA ligase GDP-forming subunit beta; minus strand). Cytogenetic location: 3p14.1.
Variant type: single nucleotide variant.
Coding change: c.413A>G on transcript NM_003848.4 (MANE Select); coding-DNA position 413, A replaced by G.
Protein change: p.Asn138Ser; replaces asparagine 138 with serine.
Molecular consequence: missense variant.
Genome position (GRCh38, 1-based): chr3:67,528,136, T>C on the plus strand (A>G on the coding strand, the complement: SUCLG2 is on the minus strand). VCF-style: chr3-67528136-T-C. GRCh37 (hg19) VCF-style: chr3-67578560-T-C.
Other names: c.413A>G, p.Asn138Ser (NM_001177599.2); short protein forms N138S.
Identifiers: ClinVar variation 4799350 (VCV004799350.1).
Genomic context (GRCh38, chr3:67,528,136, plus strand): 5'-TTTCTTTTCTATTTTTTAACACATATATAGAAAATGACCCAAAGTATCCATATTACCTTG[T>C]TAACTTTCACACCTTCTTTTGGAGTTTGTTTTGTCGCTAGATTGTACCCAATCATCTGTT-3'
Protein context (NP_003839.2, residues 128-148): KQTPKEGVKV[Asn138Ser]KVMVAEALDI

ClinVar aggregate classification (germline): Uncertain significance (1 of 4 stars; one submission).

gnomAD v4.1: 1 of 1,613,364 alleles (0.000062%); highest among the groups gnomAD compares: East Asian, 0.0022%; no homozygotes.

Submission:

Labcorp Genetics (formerly Invitae), Labcorp
Classification: Uncertain significance. Last evaluated: 2025-12-16. Review status: criteria provided, single submitter. Criteria: Invitae Variant Classification Sherloc (09022015). Collection method: clinical testing. Allele origin: germline.
Comment: This sequence change replaces asparagine, which is neutral and polar, with serine, which is neutral and polar, at codon 138 of the SUCLG2 protein (p.Asn138Ser). This variant is not present in population databases (gnomAD no frequency). This variant has not been reported in the literature in individuals affected with SUCLG2-related conditions. An algorithm developed to predict the effect of missense changes on protein structure and function (PolyPhen-2) suggests that this variant is likely to be tolerated. In summary, the available evidence is currently insufficient to determine the role of this variant in disease. Therefore, it has been classified as a Variant of Uncertain Significance.